The following is an entry in ClinVar:

NM_014251.3(SLC25A13):c.1453-3C>T

Gene: SLC25A13 (solute carrier family 25 member 13; minus strand). Cytogenetic location: 7q21.3.
Variant type: single nucleotide variant.
Coding change: c.1453-3C>T on transcript NM_014251.3 (MANE Select); 3 bases into the intron before coding-DNA position 1453, C replaced by T.
Molecular consequence: intron variant.
Genome position (GRCh38, 1-based): chr7:96,131,884, G>A on the plus strand (C>T on the coding strand, the complement: SLC25A13 is on the minus strand). VCF-style: chr7-96131884-G-A. GRCh37 (hg19) VCF-style: chr7-95761196-G-A.
Other names: c.1456-3C>T (NM_001160210.2).
Identifiers: ClinVar variation 2421038 (VCV002421038.3), dbSNP rs751973213, ClinGen allele CA4352900.

ClinVar aggregate classification (germline): Uncertain significance (1 of 4 stars; one submission).

Conditions:
Citrin deficiency. Identifiers: Orphanet 247582, MedGen C1997910, MONDO:0016602.

Allele frequency attached by ClinVar (database versions not stated): TOPMed below 0.00001; gnomAD exomes 0.00001; ExAC 0.00003.
gnomAD v4.1: 8 of 1,613,694 alleles (0.0005%); highest among the groups gnomAD compares: Admixed American, 0.013%; no homozygotes.

Submission:

Labcorp Genetics (formerly Invitae), Labcorp
Classification: Uncertain significance for Citrin deficiency. Last evaluated: 2022-02-22. Review status: criteria provided, single submitter. Criteria: Invitae Variant Classification Sherloc (09022015). Collection method: clinical testing. Allele origin: germline.
Comment: This sequence change falls in intron 14 of the SLC25A13 gene. It does not directly change the encoded amino acid sequence of the SLC25A13 protein. It affects a nucleotide within the consensus splice site. This variant is present in population databases (rs751973213, gnomAD 0.02%). This variant has not been reported in the literature in individuals affected with SLC25A13-related conditions. Variants that disrupt the consensus splice site are a relatively common cause of aberrant splicing (PMID: 17576681, 9536098). Algorithms developed to predict the effect of sequence changes on RNA splicing suggest that this variant is not likely to affect RNA splicing. In summary, the available evidence is currently insufficient to determine the role of this variant in disease. Therefore, it has been classified as a Variant of Uncertain Significance.

Literature cited by the submitters: PubMed 17576681; PubMed 9536098.